The following is an entry in ClinVar:

NM_020778.5(ALPK3):c.2932G>A (p.Ala978Thr)

Gene: ALPK3 (alpha kinase 3; plus strand). Cytogenetic location: 15q25.3.
Variant type: single nucleotide variant.
Coding change: c.2932G>A on transcript NM_020778.5 (MANE Select); coding-DNA position 2932, G replaced by A.
Protein change: p.Ala978Thr; replaces alanine 978 with threonine.
Molecular consequence: missense variant.
Genome position (GRCh38, 1-based): chr15:84,857,670, G>A. VCF-style: chr15-84857670-G-A. GRCh37 (hg19) VCF-style: chr15-85400901-G-A.
Other names: short protein forms A978T.
Identifiers: ClinVar variation 4697671 (VCV004697671.1).
Genomic context (GRCh38, chr15:84,857,670, plus strand): 5'-GATTCCCTGAAGAACTACCTGCTTCTGCTGCTGAAGCTGTCCAGCACAGAGACAAGTGGA[G>A]CAGGGGGAGAGTCCCAGGTGGGGGCAGCCACCGGAGGTCTGGTGCCCTCAGCCACTCTGA-3'
Protein context (NP_065829.4, residues 968-988): LKLSSTETSG[Ala978Thr]GGESQVGAAT

ClinVar aggregate classification (germline): Uncertain significance (1 of 4 stars; one submission).

Submission:

Labcorp Genetics (formerly Invitae), Labcorp
Classification: Uncertain significance. Last evaluated: 2025-08-01. Review status: criteria provided, single submitter. Criteria: Invitae Variant Classification Sherloc (09022015). Collection method: clinical testing. Allele origin: germline.
Comment: This sequence change replaces alanine, which is neutral and non-polar, with threonine, which is neutral and polar, at codon 1180 of the ALPK3 protein (p.Ala1180Thr). This variant is not present in population databases (gnomAD no frequency). This variant has not been reported in the literature in individuals affected with ALPK3-related conditions. Invitae Evidence Modeling of protein sequence and biophysical properties (such as structural, functional, and spatial information, amino acid conservation, physicochemical variation, residue mobility, and thermodynamic stability) indicates that this missense variant is not expected to disrupt ALPK3 protein function with a negative predictive value of 80%. In summary, the available evidence is currently insufficient to determine the role of this variant in disease. Therefore, it has been classified as a Variant of Uncertain Significance.